The following is an entry in ClinVar:

NM_001127222.2(CACNA1A):c.5344G>A (p.Gly1782Ser)

Gene: CACNA1A (calcium voltage-gated channel subunit alpha1 A; minus strand). Cytogenetic location: 19p13.13.
Variant type: single nucleotide variant.
Coding change: c.5344G>A on transcript NM_001127222.2 (MANE Select); coding-DNA position 5344, G replaced by A.
Protein change: p.Gly1782Ser; replaces glycine 1782 with serine.
Molecular consequence: missense variant.
Genome position (GRCh38, 1-based): chr19:13,231,766, C>T on the plus strand (G>A on the coding strand, the complement: CACNA1A is on the minus strand). VCF-style: chr19-13231766-C-T. GRCh37 (hg19) VCF-style: chr19-13342580-C-T.
Other names: c.5362G>A, p.Gly1788Ser (NM_000068.4, NM_023035.3); c.5347G>A, p.Gly1783Ser (NM_001127221.2); c.5353G>A, p.Gly1785Ser (NM_001174080.2); short protein forms G1782S, G1783S, G1785S, G1788S.
Identifiers: ClinVar variation 4682173 (VCV004682173.1).

ClinVar aggregate classification (germline): Uncertain significance (1 of 4 stars; one submission).

Submission:

Athena Diagnostics
Classification: Uncertain significance. Last evaluated: 2024-12-17. Review status: criteria provided, single submitter. Criteria: Athena Diagnostics Criteria. Collection method: clinical testing. Allele origin: unknown.
Comment: Available data are insufficient to determine the clinical significance of the variant at this time. This variant has not been reported in large, multi-ethnic general populations. Polyphen and MutationTaster predict this amino acid change may be damaging to the protein.